The following is an entry in ClinVar:

ClinVar aggregate classification (germline): Conflicting classifications of pathogenicity. Review status: criteria provided, conflicting classifications (1 of 4 stars). 3 submissions from 3 submitters: Uncertain significance (2); Likely benign (1). Last evaluated 2025-03-17.

Conditions:
EEM syndrome (EEMS). Identifiers: Orphanet 1897, MedGen C1857041, MONDO:0009155, OMIM 225280.

Allele frequency attached by ClinVar (database versions not stated): gnomAD 0.00004; TOPMed 0.00004; ExAC 0.00007; ESP Exome Variant Server 0.00008; gnomAD exomes 0.00008.
gnomAD v4.1: 76 of 1,614,096 alleles (0.0047%); highest among the groups gnomAD compares: East Asian, 0.0067%; no homozygotes.

Submissions (3):

Labcorp Genetics (formerly Invitae), Labcorp
Classification: Uncertain significance. Last evaluated: 2025-03-17. Review status: criteria provided, single submitter. Criteria: Invitae Variant Classification Sherloc (09022015). Collection method: clinical testing. Allele origin: germline.
Comment: This sequence change replaces aspartic acid, which is acidic and polar, with asparagine, which is neutral and polar, at codon 788 of the CDH3 protein (p.Asp788Asn). This variant is present in population databases (rs377354522, gnomAD 0.1%). This variant has not been reported in the literature in individuals affected with CDH3-related conditions. ClinVar contains an entry for this variant (Variation ID: 842854). Invitae Evidence Modeling of protein sequence and biophysical properties (such as structural, functional, and spatial information, amino acid conservation, physicochemical variation, residue mobility, and thermodynamic stability) indicates that this missense variant is not expected to disrupt CDH3 protein function with a negative predictive value of 80%. In summary, the available evidence is currently insufficient to determine the role of this variant in disease. Therefore, it has been classified as a Variant of Uncertain Significance.

Blueprint Genetics
Classification: Likely benign. Last evaluated: 2024-08-30. Review status: criteria provided, single submitter. Criteria: ACMG Guidelines, 2015. Collection method: clinical testing. Allele origin: germline.

Illumina Laboratory Services, Illumina
Classification: Uncertain significance for EEM syndrome. Last evaluated: 2018-01-13. Review status: criteria provided, single submitter. Criteria: ICSL Variant Classification Criteria 13 December 2019. Collection method: clinical testing. Allele origin: germline.

NM_001793.6(CDH3):c.2362G>A (p.Asp788Asn)

Gene: CDH3 (cadherin 3; plus strand). Cytogenetic location: 16q22.1.
Variant type: single nucleotide variant.
Coding change: c.2362G>A on transcript NM_001793.6 (MANE Select); coding-DNA position 2362, G replaced by A.
Protein change: p.Asp788Asn; replaces aspartic acid 788 with asparagine.
Molecular consequence: missense variant. On other transcripts: 3 prime UTR variant (1).
Genome position (GRCh38, 1-based): chr16:68,698,272, G>A. VCF-style: chr16-68698272-G-A. GRCh37 (hg19) VCF-style: chr16-68732175-G-A.
Other names: c.*105G>A (NM_001317195.3); c.2197G>A, p.Asp733Asn (NM_001317196.2); short protein forms D788N, D733N.
Identifiers: ClinVar variation 842854 (VCV000842854.12), dbSNP rs377354522, ClinGen allele CA8129711.
Genomic context (GRCh38, chr16:68,698,272, plus strand): 5'-GACCCCACAGCCCCGCCCTACGACACCCTCTTGGTGTTCGACTATGAGGGCAGCGGCTCC[G>A]ACGCCGCGTCCCTGAGCTCCCTCACCTCCTCCGCCTCCGACCAAGACCAAGATTACGATT-3'
Protein context (NP_001784.2, residues 778-798): LVFDYEGSGS[Asp788Asn]AASLSSLTSS